The following is an entry in ClinVar:

ClinVar aggregate classification (germline): Benign/Likely benign. Review status: criteria provided, multiple submitters, no conflicts (2 of 4 stars). 7 submissions from 7 submitters: Benign (3); Likely benign (3). 1 of the submissions does not count toward it. Last evaluated 2026-01-28.

Conditions:
LAMB3-related disorder. Also called: LAMB3-related condition.
Junctional epidermolysis bullosa. Identifiers: Orphanet 305, MedGen C0079301, MONDO:0017612.

Allele frequency attached by ClinVar (database versions not stated): ESP Exome Variant Server 0.00046; gnomAD exomes 0.00051 and 0.00148; gnomAD 0.00082 and 0.00090; TOPMed 0.00104; 1000 Genomes Project 30x 0.00219; 1000 Genomes Project 0.00220; ExAC 0.00282.
gnomAD v4.1: 886 of 1,577,280 alleles (0.056%); highest among the groups gnomAD compares: East Asian, 0.95%; 3 homozygotes.

Submissions (7):

Labcorp Genetics (formerly Invitae), Labcorp
Classification: Benign. Last evaluated: 2026-01-28. Review status: criteria provided, single submitter. Criteria: Invitae Variant Classification Sherloc (09022015). Collection method: clinical testing. Allele origin: germline.

Blueprint Genetics
Classification: Likely benign. Last evaluated: 2024-11-14. Review status: criteria provided, single submitter. Criteria: ACMG Guidelines, 2015. Collection method: clinical testing. Allele origin: germline.

Illumina Laboratory Services, Illumina
Classification: Likely benign for Junctional epidermolysis bullosa. Last evaluated: 2017-04-27. Review status: criteria provided, single submitter. Criteria: ICSL Variant Classification Criteria 13 December 2019. Collection method: clinical testing. Allele origin: germline.
Comment: This variant was observed as part of a predisposition screen in an ostensibly healthy population. A literature search was performed for the gene, cDNA change, and amino acid change (where applicable). No publications were found based on this search. Allele frequency data from public databases allowed determination this variant is unlikely to cause disease. Therefore, this variant is classified as likely benign.

Eurofins Ntd Llc (ga)
Classification: Benign. Last evaluated: 2015-08-28. Review status: criteria provided, single submitter. Criteria: EGL Classification Definitions 2015. Collection method: clinical testing. Allele origin: germline. Observed: 1 variant allele, 1 heterozygote.

GeneDx
Classification: Benign. Last evaluated: 2015-03-03. Review status: criteria provided, single submitter. Criteria: GeneDx Variant Classification Process June 2021. Collection method: clinical testing. Allele origin: germline. Affected: yes.

Breakthrough Genomics
Classification: Likely benign. Review status: criteria provided, single submitter. Criteria: ACMG Guidelines, 2015. Collection method: not provided. Allele origin: germline. Inheritance: Autosomal recessive inheritance. Affected: yes.

PreventionGenetics, part of Exact Sciences
Classification: Benign for LAMB3-related condition. Last evaluated: 2020-02-11. Review status: no assertion criteria provided. Collection method: clinical testing. Allele origin: germline. Not counted in ClinVar's aggregate classification.
Comment: This variant is classified as benign based on ACMG/AMP sequence variant interpretation guidelines (Richards et al. 2015 PMID: 25741868, with internal and published modifications).

NM_000228.3(LAMB3):c.1188C>T (p.Thr396=)

Gene: LAMB3 (laminin subunit beta 3; minus strand). Cytogenetic location: 1q32.2.
Variant type: single nucleotide variant.
Coding change: c.1188C>T on transcript NM_000228.3 (MANE Select); coding-DNA position 1188, C replaced by T.
Protein change: p.Thr396=; no amino-acid change (threonine 396 retained).
Molecular consequence: synonymous variant.
Genome position (GRCh38, 1-based): chr1:209,628,135, G>A on the plus strand (C>T on the coding strand, the complement: LAMB3 is on the minus strand). VCF-style: chr1-209628135-G-A. GRCh37 (hg19) VCF-style: chr1-209801480-G-A.
Other names: c.1188C>T, p.Thr396= (NM_001017402.2, NM_001127641.1).
Identifiers: ClinVar variation 282914 (VCV000282914.26), dbSNP rs115883756, ClinGen allele CA1375671.